The following is an entry in ClinVar:

GRCh37/hg19 11p15.5(chr11:461373-2157956)x4

Genes: CHID1 (chitinase domain containing 1; minus strand), CRACR2B (calcium release activated channel regulator 2B; plus strand), IRF7 (interferon regulatory factor 7; minus strand), KRTAP5-1 (keratin associated protein 5-1; minus strand), LMNTD2 (lamin tail domain containing 2; minus strand) and 49 more. Cytogenetic location: 11p15.5.
Variant type: copy number gain.
Change: copy number 4 of chr11:461,373-2,157,956 (1.70 Mb, GRCh37 coordinates, 1-based), cytogenetic band 11p15.5.
Identifiers: ClinVar variation 1808628 (VCV001808628.1).

ClinVar aggregate classification (germline): Pathogenic (1 of 4 stars; one submission).

Submission:

Quest Diagnostics Nichols Institute San Juan Capistrano
Classification: Pathogenic. Last evaluated: 2022-04-13. Review status: criteria provided, single submitter. Criteria: ACMG/ClinGen CNV Guidelines, 2019. Collection method: clinical testing. Allele origin: unknown.
Comment: The copy number gain at 11p15.5 involves numerous protein-coding genes and overlaps the imprinting control region 1 (ICR1), which regulates the expression of IGF2 (expressed on the paternal allele) and H19 (expressed on the maternal allele). Please note that, the imprinting control region 2 (ICR2), which regulates the expression of CDKN1C, KCNQ10T1, and KCNQ1, is NOT involved in this copy number gain. Duplications of 11p15.5 can cause either Beckwith-Wiedemann syndrome (OMIM 130650) or Silver-Russell syndrome (SRS, OMIM 180860), depending on the parent of origin for the duplicated chromosome 11 segment. Russell-Silver syndrome (RSS) is characterized by intrauterine growth etardation accompanied by postnatal growth deficiency. Maternally derived duplications of 11p15.5 are associated with SRS (GeneReviews [Internet]. Beckwith-Wiedemann syndrome (BWS), is a growth disorder variably characterized by neonatal hypoglycemia, macrosomia, macroglossia, hemihyperplasia, omphalocele, embryonal tumors (e.g., Wilms tumor, hepatoblastoma, neuroblastoma, and rhabdomyosarcoma), visceromegaly, adrenocortical cytomegaly, renal abnormalities, and ear creases/pits. Paternally derived duplications of 11p15.5 are associated with BWS (GeneReviews [Internet]. In the literature there are several reports of individuals with Beckwith-Wiedemann syndrome and duplications that overlap only IC1, not IC2. These duplications have arisen on the paternal allele, and typically methylation of IC1 was increased, while methylation of IC2 was normal (Wang 29270226; Baskin 24154661; Heide 29223973). Additionally, one patient was reported to have a triplication of the IC1 interval that falls almost entirely within the current interval, and the proband expressed the expected Beckwith-Wiedemann syndrome phenotype. There are no similar copy number gains of this region in the general populations of the Database of Genomic Variants. Thus, the clinical significance of this copy number variant (CNV) is pathogenic. References: Baskin et al., Hum Genet. 2014 Mar;133(3):321-30. PMID: 24154661. Heide et al., J Med Genet. 2018 Mar;55(3):205-213. PMID: 29223973. Jurkiewicz et al., Am J Med Genet A. 2017 Jan;173(1):72-78. PMID: 27612309. Wang et al., Mol Cytogenet. 2017 Dec 19;10:46. PMID: 29270226.